The following is an entry in ClinVar:

ClinVar aggregate classification (germline): Uncertain significance (1 of 4 stars; one submission).

gnomAD v4.1: 8 of 1,613,992 alleles (0.0005%); highest among the groups gnomAD compares: Non-Finnish European, 0.00068%; no homozygotes.

Submission:

Labcorp Genetics (formerly Invitae), Labcorp
Classification: Uncertain significance. Last evaluated: 2024-08-26. Review status: criteria provided, single submitter. Criteria: Invitae Variant Classification Sherloc (09022015). Collection method: clinical testing. Allele origin: germline.
Comment: This sequence change affects codon 345 of the TRRAP mRNA. It is a 'silent' change, meaning that it does not change the encoded amino acid sequence of the TRRAP protein. It affects a nucleotide within the consensus splice site. This variant is present in population databases (rs782398398, gnomAD 0.0009%). This variant has not been reported in the literature in individuals affected with TRRAP-related conditions. Algorithms developed to predict the effect of sequence changes on RNA splicing suggest that this variant is not likely to affect RNA splicing. In summary, the available evidence is currently insufficient to determine the role of this variant in disease. Therefore, it has been classified as a Variant of Uncertain Significance.

NM_001375524.1(TRRAP):c.1035C>T (p.Asn345=)

Gene: TRRAP (transformation/transcription domain associated protein; plus strand). Cytogenetic location: 7q22.1.
Variant type: single nucleotide variant.
Coding change: c.1035C>T on transcript NM_001375524.1 (MANE Select); coding-DNA position 1035, C replaced by T.
Protein change: p.Asn345=; no amino-acid change (asparagine 345 retained).
Molecular consequence: synonymous variant.
Genome position (GRCh38, 1-based): chr7:98,903,516, C>T. VCF-style: chr7-98903516-C-T. GRCh37 (hg19) VCF-style: chr7-98501139-C-T.
Other names: c.1035C>T, p.Asn345= (NM_001244580.2, NM_003496.4).
Identifiers: ClinVar variation 3617905 (VCV003617905.2).